The following is an entry in ClinVar:

NM_018451.5(CPAP):c.3862A>G (p.Arg1288Gly)

Genes: CPAP (centrosome assembly and centriole elongation protein; minus strand), RNF17 (ring finger protein 17; plus strand). Cytogenetic location: 13q12.12.
Variant type: single nucleotide variant.
Coding change: c.3862A>G on transcript NM_018451.5 (MANE Select); coding-DNA position 3862, A replaced by G.
Protein change: p.Arg1288Gly; replaces arginine 1288 with glycine.
Molecular consequence: missense variant. On other transcripts: non-coding transcript variant (2).
Genome position (GRCh38, 1-based): chr13:24,883,332, T>C on the plus strand (A>G on the coding strand, the complement: CPAP is on the minus strand). VCF-style: chr13-24883332-T-C. GRCh37 (hg19) VCF-style: chr13-25457470-T-C.
Other names: short protein forms R1288G.
Identifiers: ClinVar variation 2131718 (VCV002131718.4), dbSNP rs2541592024, ClinGen allele CA387594767.

ClinVar aggregate classification (germline): Uncertain significance (1 of 4 stars; one submission).

Submission:

Labcorp Genetics (formerly Invitae), Labcorp
Classification: Uncertain significance. Last evaluated: 2022-05-04. Review status: criteria provided, single submitter. Criteria: Invitae Variant Classification Sherloc (09022015). Collection method: clinical testing. Allele origin: germline.
Comment: This variant is not present in population databases (gnomAD no frequency). This sequence change replaces arginine, which is basic and polar, with glycine, which is neutral and non-polar, at codon 1288 of the CENPJ protein (p.Arg1288Gly). In summary, the available evidence is currently insufficient to determine the role of this variant in disease. Therefore, it has been classified as a Variant of Uncertain Significance. Algorithms developed to predict the effect of missense changes on protein structure and function are either unavailable or do not agree on the potential impact of this missense change (SIFT: "Deleterious"; PolyPhen-2: "Probably Damaging"; Align-GVGD: "Class C0"). This variant has not been reported in the literature in individuals affected with CENPJ-related conditions.